The following is an entry in ClinVar:

NM_001040142.2(SCN2A):c.3107T>C (p.Leu1036Ser)

Gene: SCN2A (sodium voltage-gated channel alpha subunit 2; plus strand). Cytogenetic location: 2q24.3.
Variant type: single nucleotide variant.
Coding change: c.3107T>C on transcript NM_001040142.2 (MANE Select); coding-DNA position 3107, T replaced by C.
Protein change: p.Leu1036Ser; replaces leucine 1036 with serine.
Molecular consequence: missense variant.
Genome position (GRCh38, 1-based): chr2:165,354,379, T>C. VCF-style: chr2-165354379-T-C. GRCh37 (hg19) VCF-style: chr2-166210889-T-C.
Other names: c.3107T>C, p.Leu1036Ser (NM_001040143.2, NM_001371246.1, NM_001371247.1 and 1 more transcripts); short protein forms L1036S.
Identifiers: ClinVar variation 957773 (VCV000957773.11), dbSNP rs774256116, ClinGen allele CA1940058.

ClinVar aggregate classification (germline): Uncertain significance. Review status: criteria provided, multiple submitters, no conflicts (2 of 4 stars). 2 submissions from 2 submitters: Uncertain significance (2). Last evaluated 2025-08-16.

Conditions:
Seizures, benign familial infantile, 3 (BFIS3). Also called: CONVULSIONS, BENIGN FAMILIAL INFANTILE, 3; Familial neonatal seizures. Identifiers: Orphanet 140927, Orphanet 306, MedGen C1843140, MONDO:0011904, OMIM 607745.
Developmental and epileptic encephalopathy, 11 (DEE11). Also called: Early infantile epileptic encephalopathy 11. Identifiers: Orphanet 1934, MedGen C3150987, MONDO:0013388, OMIM 613721.

Allele frequency attached by ClinVar (database versions not stated): gnomAD exomes below 0.00001 and 0.00001; TOPMed below 0.00001; ExAC 0.00001; gnomAD 0.00001.
gnomAD v4.1: 9 of 1,613,856 alleles (0.00056%); highest among the groups gnomAD compares: South Asian, 0.0011%; no homozygotes.

Submissions (2):

Labcorp Genetics (formerly Invitae), Labcorp
Classification: Uncertain significance for Seizures, benign familial infantile, 3; Developmental and epileptic encephalopathy, 11. Last evaluated: 2025-08-16. Review status: criteria provided, single submitter. Criteria: Invitae Variant Classification Sherloc (09022015). Collection method: clinical testing. Allele origin: germline.
Comment: This sequence change replaces leucine, which is neutral and non-polar, with serine, which is neutral and polar, at codon 1036 of the SCN2A protein (p.Leu1036Ser). This variant is present in population databases (rs774256116, gnomAD 0.0009%). This variant has not been reported in the literature in individuals affected with SCN2A-related conditions. ClinVar contains an entry for this variant (Variation ID: 957773). Invitae Evidence Modeling of protein sequence and biophysical properties (such as structural, functional, and spatial information, amino acid conservation, physicochemical variation, residue mobility, and thermodynamic stability) indicates that this missense variant is not expected to disrupt SCN2A protein function with a negative predictive value of 95%. In summary, the available evidence is currently insufficient to determine the role of this variant in disease. Therefore, it has been classified as a Variant of Uncertain Significance.

Blueprint Genetics
Classification: Uncertain significance. Last evaluated: 2020-09-18. Review status: criteria provided, single submitter. Criteria: ACMG Guidelines, 2015. Collection method: clinical testing. Allele origin: germline.